The following is an entry in ClinVar:

ClinVar aggregate classification (germline): Uncertain significance (1 of 4 stars; one submission).

Conditions:
Alpha thalassemia-X-linked intellectual disability syndrome (ATRX). Also called: ATR-X syndrome; Alpha thalassemia mental retardation syndrome, nondeletion type, X-linked; XLMR hypotonic face syndrome; X-linked alpha-thalassemia-mental retardation syndrome; ALPHA-THALASSEMIA/IMPAIRED INTELLECTUAL DEVELOPMENT SYNDROME, X-LINKED; ALPHA-THALASSEMIA/MENTAL RETARDATION SYNDROME, X-LINKED. Identifiers: Orphanet 847, MedGen C1845055, MONDO:0010519, OMIM 301040.

Allele frequency attached by ClinVar (database versions not stated): TOPMed 0.00001; gnomAD exomes below 0.00001.
gnomAD v4.1: 1 of 1,211,013 alleles (0.000083%); highest among the groups gnomAD compares: Non-Finnish European, 0.00011%; no homozygotes.

Submission:

Labcorp Genetics (formerly Invitae), Labcorp
Classification: Uncertain significance for Alpha thalassemia-X-linked intellectual disability syndrome. Last evaluated: 2021-08-11. Review status: criteria provided, single submitter. Criteria: Invitae Variant Classification Sherloc (09022015). Collection method: clinical testing. Allele origin: germline.
Comment: In summary, the available evidence is currently insufficient to determine the role of this variant in disease. Therefore, it has been classified as a Variant of Uncertain Significance. Advanced modeling of protein sequence and biophysical properties (such as structural, functional, and spatial information, amino acid conservation, physicochemical variation, residue mobility, and thermodynamic stability) performed at Invitae indicates that this missense variant is not expected to disrupt ATRX protein function. This variant has not been reported in the literature in individuals affected with ATRX-related conditions. This variant is not present in population databases (ExAC no frequency). This sequence change replaces alanine with valine at codon 940 of the ATRX protein (p.Ala940Val). The alanine residue is weakly conserved and there is a small physicochemical difference between alanine and valine.

NM_000489.6(ATRX):c.2819C>T (p.Ala940Val)

Gene: ATRX (ATRX chromatin remodeler; minus strand). Cytogenetic location: Xq21.1.
Variant type: single nucleotide variant.
Coding change: c.2819C>T on transcript NM_000489.6 (MANE Select); coding-DNA position 2819, C replaced by T.
Protein change: p.Ala940Val; replaces alanine 940 with valine.
Molecular consequence: missense variant.
Genome position (GRCh38, 1-based): chrX:77,682,437, G>A on the plus strand (C>T on the coding strand, the complement: ATRX is on the minus strand). VCF-style: chrX-77682437-G-A. GRCh37 (hg19) VCF-style: chrX-76937929-G-A.
Other names: c.2705C>T, p.Ala902Val (NM_138270.5); short protein forms A940V, A902V.
Identifiers: ClinVar variation 1373963 (VCV001373963.6), dbSNP rs2071267970, ClinGen allele CA413710384.